The following is an entry in ClinVar:

ClinVar aggregate classification (germline): Uncertain significance (1 of 4 stars; one submission).

Conditions:
Retinitis pigmentosa 14 (RP14). Also called: RETINITIS PIGMENTOSA, JUVENILE, TULP1-RELATED. Identifiers: Orphanet 791, MedGen C1838603, MONDO:0010827, OMIM 600132.

Submission:

Medical Genetics Lab, Policlinico S. Orsola.Malpighi
Classification: Uncertain significance for Retinitis pigmentosa 14. Last evaluated: 2020-06-04. Review status: criteria provided, single submitter. Criteria: ACMG Guidelines, 2015. Collection method: clinical testing. Allele origin: maternal. Inheritance: Autosomal dominant inheritance. Affected: yes. Observed: 1 heterozygote.
Comment: The c.5619+2T>C variant in PRPF8 is absent in GnomAD, is predicted to affect splicing and likely causes loss of function. PRPF8 variants are a known cause of autosomal dominant retinitis pigmentosa, but pathogenic variants cluster in a C-terminal domain (in the last exon) and are "gain of function" mutations. Considering that the c.5619+2T>C variant was transmitted by a healthy individual and that PRPF8 haploinsufficiency is not a know mechanism of disease at the moment, we classify this variant as of uncertain significance.

NM_006445.4(PRPF8):c.5619+2T>C

Gene: PRPF8 (pre-mRNA processing factor 8; minus strand). Cytogenetic location: 17p13.3.
Variant type: single nucleotide variant.
Coding change: c.5619+2T>C on transcript NM_006445.4 (MANE Select); the canonical splice donor site of the intron after coding-DNA position 5619, T replaced by C.
Molecular consequence: splice donor variant.
Genome position (GRCh38, 1-based): chr17:1,656,646, A>G on the plus strand (T>C on the coding strand, the complement: PRPF8 is on the minus strand). VCF-style: chr17-1656646-A-G. GRCh37 (hg19) VCF-style: chr17-1559940-A-G.
Identifiers: ClinVar variation 932172 (VCV000932172.2), dbSNP rs1911406583, ClinGen allele CA397570574.
Genomic context (GRCh38, chr17:1,656,646, plus strand): 5'-AGATGAGAAACAGCCTGAAGGTCTCAAGGTCTCTTTTCTCCTACCCCACCCCACCCTCTT[A>G]CCTCCAGTGGGTCCAGCATGCCCTTCCTGGTGACAATGATCTGCTTGGGCTGCTCCTCCA-3'